The following is an entry in ClinVar:

ClinVar aggregate classification (germline): Pathogenic/Likely pathogenic. Review status: criteria provided, multiple submitters, no conflicts (2 of 4 stars). 2 submissions from 2 submitters: Pathogenic (1); Likely pathogenic (1). Last evaluated 2025-03-11.

Conditions:
Primary ciliary dyskinesia 7. Also called: CILIARY DYSKINESIA, PRIMARY, 7, WITH OR WITHOUT SITUS INVERSUS. Identifiers: Orphanet 244, MedGen C2678473, MONDO:0012748, OMIM 611884.
Primary ciliary dyskinesia. Also called: Ciliary dyskinesia. Identifiers: Orphanet 244, MedGen C0008780, MONDO:0016575, HP:0012265.

Submissions (2):

Labcorp Genetics (formerly Invitae), Labcorp
Classification: Pathogenic for Primary ciliary dyskinesia. Last evaluated: 2025-03-11. Review status: criteria provided, single submitter. Criteria: Invitae Variant Classification Sherloc (09022015). Collection method: clinical testing. Allele origin: germline.
Comment: This sequence change creates a premature translational stop signal (p.Leu2162Phefs*27) in the DNAH5 gene. It is expected to result in an absent or disrupted protein product. Loss-of-function variants in DNAH5 are known to be pathogenic (PMID: 11788826, 16627867). This variant is present in population databases (no rsID available, gnomAD 0.0009%). This variant has not been reported in the literature in individuals affected with DNAH5-related conditions. ClinVar contains an entry for this variant (Variation ID: 1906596). For these reasons, this variant has been classified as Pathogenic.

Johns Hopkins Genomics, Johns Hopkins University
Classification: Likely pathogenic for Primary ciliary dyskinesia 7. Last evaluated: 2024-10-04. Review status: criteria provided, single submitter. Criteria: ACMG Guidelines, 2015. Collection method: clinical testing. Allele origin: germline.
Comment: This DNAH5 frameshift variant (rs1180317009) is rare in (<0.1%) in a large population dataset (gnomAD v4.1.0: 2/1614022 total alleles; 0.0001%; no homozygotes) and has been reported in ClinVar (Variation ID: 19065962. This frameshift variant results in a premature stop codon in exon 39 of 79, likely leading to nonsense-mediated RNA decay and lack of protein production. We consider c.6483del in DNAH5 to be likely pathogenic.

Literature cited by the submitters: PubMed 11788826 (cited by Labcorp Genetics (formerly Invitae), Labcorp); PubMed 16627867 (cited by Labcorp Genetics (formerly Invitae), Labcorp).

NM_001369.3(DNAH5):c.6483del (p.Leu2162fs)

Gene: DNAH5 (dynein axonemal heavy chain 5; minus strand). Cytogenetic location: 5p15.2.
Variant type: Deletion.
Coding change: c.6483del on transcript NM_001369.3 (MANE Select); coding-DNA position 6483, one base deleted (T; older notation c.6483delT).
Protein change: p.Leu2162fs; shifts the reading frame from leucine 2162.
Molecular consequence: frameshift variant.
Genome position (GRCh38, 1-based): chr5:13,824,295, A deleted on the plus strand (T on the coding strand, the reverse complement: DNAH5 is on the minus strand); the first of 2 consecutive A bases (chr5:13,824,295-13,824,296); deleting either gives the same sequence. VCF-style (leftmost placement, unchanged base first): chr5-13824294-GA-G. GRCh37 (hg19) VCF-style: chr5-13824403-GA-G.
Other names: c.6483del (NM_001369.2); short protein forms L2162fs.
Identifiers: ClinVar variation 1906596 (VCV001906596.7), dbSNP rs1180317009, ClinGen allele CA557869528.